The following is an entry in ClinVar:

ClinVar aggregate classification (germline): Uncertain significance (1 of 4 stars; one submission).

gnomAD v4.1: 5 of 1,613,894 alleles (0.00031%); highest among the groups gnomAD compares: Non-Finnish European, 0.00042%; no homozygotes.

Submission:

Labcorp Genetics (formerly Invitae), Labcorp
Classification: Uncertain significance. Last evaluated: 2022-07-30. Review status: criteria provided, single submitter. Criteria: Invitae Variant Classification Sherloc (09022015). Collection method: clinical testing. Allele origin: germline.
Comment: This sequence change replaces glutamic acid, which is acidic and polar, with aspartic acid, which is acidic and polar, at codon 685 of the MCM3AP protein (p.Glu685Asp). This variant is not present in population databases (gnomAD no frequency). This variant has not been reported in the literature in individuals affected with MCM3AP-related conditions. Algorithms developed to predict the effect of missense changes on protein structure and function (SIFT, PolyPhen-2, Align-GVGD) all suggest that this variant is likely to be disruptive. In summary, the available evidence is currently insufficient to determine the role of this variant in disease. Therefore, it has been classified as a Variant of Uncertain Significance.

NM_003906.5(MCM3AP):c.2055G>C (p.Glu685Asp)

Gene: MCM3AP (minichromosome maintenance complex component 3 associated protein; minus strand). Cytogenetic location: 21q22.3.
Variant type: single nucleotide variant.
Coding change: c.2055G>C on transcript NM_003906.5 (MANE Select); coding-DNA position 2055, G replaced by C.
Protein change: p.Glu685Asp; replaces glutamic acid 685 with aspartic acid.
Molecular consequence: missense variant.
Genome position (GRCh38, 1-based): chr21:46,273,529, C>G on the plus strand (G>C on the coding strand, the complement: MCM3AP is on the minus strand). VCF-style: chr21-46273529-C-G. GRCh37 (hg19) VCF-style: chr21-47693443-C-G.
Other names: short protein forms E685D.
Identifiers: ClinVar variation 1936968 (VCV001936968.2), dbSNP rs537861114, ClinGen allele CA410525702.